The following is an entry in ClinVar:

NM_004525.3(LRP2):c.479C>G (p.Thr160Ser)

Gene: LRP2 (LDL receptor related protein 2; minus strand). Cytogenetic location: 2q31.1.
Variant type: single nucleotide variant.
Coding change: c.479C>G on transcript NM_004525.3 (MANE Select); coding-DNA position 479, C replaced by G.
Protein change: p.Thr160Ser; replaces threonine 160 with serine.
Molecular consequence: missense variant.
Genome position (GRCh38, 1-based): chr2:169,294,659, G>C on the plus strand (C>G on the coding strand, the complement: LRP2 is on the minus strand). VCF-style: chr2-169294659-G-C. GRCh37 (hg19) VCF-style: chr2-170151169-G-C.
Other names: short protein forms T160S.
Identifiers: ClinVar variation 2097742 (VCV002097742.4), dbSNP rs2528570567, ClinGen allele CA349164117.

ClinVar aggregate classification (germline): Uncertain significance (1 of 4 stars; one submission).

Submission:

Labcorp Genetics (formerly Invitae), Labcorp
Classification: Uncertain significance. Last evaluated: 2022-08-10. Review status: criteria provided, single submitter. Criteria: Invitae Variant Classification Sherloc (09022015). Collection method: clinical testing. Allele origin: germline.
Comment: This variant has not been reported in the literature in individuals affected with LRP2-related conditions. This sequence change replaces threonine, which is neutral and polar, with serine, which is neutral and polar, at codon 160 of the LRP2 protein (p.Thr160Ser). This variant is not present in population databases (gnomAD no frequency). Advanced modeling of protein sequence and biophysical properties (such as structural, functional, and spatial information, amino acid conservation, physicochemical variation, residue mobility, and thermodynamic stability) performed at Invitae indicates that this missense variant is not expected to disrupt LRP2 protein function. Algorithms developed to predict the effect of sequence changes on RNA splicing suggest that this variant may create or strengthen a splice site. In summary, the available evidence is currently insufficient to determine the role of this variant in disease. Therefore, it has been classified as a Variant of Uncertain Significance.